The following is an entry in ClinVar:

NM_017547.4(FOXRED1):c.971+13C>T

Gene: FOXRED1 (FAD dependent oxidoreductase domain containing 1; plus strand). Cytogenetic location: 11q24.2.
Variant type: single nucleotide variant.
Coding change: c.971+13C>T on transcript NM_017547.4 (MANE Select); 13 bases into the intron after coding-DNA position 971, C replaced by T.
Molecular consequence: intron variant.
Genome position (GRCh38, 1-based): chr11:126,276,232, C>T. VCF-style: chr11-126276232-C-T. GRCh37 (hg19) VCF-style: chr11-126146127-C-T.
Identifiers: ClinVar variation 512405 (VCV000512405.6), dbSNP rs374211633, ClinGen allele CA6354284.

ClinVar aggregate classification (germline): Likely benign. Review status: criteria provided, multiple submitters, no conflicts (2 of 4 stars). 3 submissions from 3 submitters: Likely benign (3). Last evaluated 2026-01-28.

Allele frequency attached by ClinVar (database versions not stated): ESP Exome Variant Server 0.00008; TOPMed 0.00008; gnomAD exomes 0.00009 and 0.00016; ExAC 0.00012; gnomAD 0.00017 and 0.00027.
gnomAD v4.1: 204 of 1,261,642 alleles (0.016%); highest among the groups gnomAD compares: Non-Finnish European, 0.02%; no homozygotes.

Submissions (3):

Labcorp Genetics (formerly Invitae), Labcorp
Classification: Likely benign. Last evaluated: 2026-01-28. Review status: criteria provided, single submitter. Criteria: Invitae Variant Classification Sherloc (09022015). Collection method: clinical testing. Allele origin: germline.

Blueprint Genetics
Classification: Likely benign. Last evaluated: 2024-01-19. Review status: criteria provided, single submitter. Criteria: ACMG Guidelines, 2015. Collection method: clinical testing. Allele origin: germline.

GeneDx
Classification: Likely benign. Last evaluated: 2017-10-12. Review status: criteria provided, single submitter. Criteria: GeneDx Variant Classification (06012015). Collection method: clinical testing. Allele origin: germline. Affected: yes.
Comment: This variant is considered likely benign or benign based on one or more of the following criteria: it is a conservative change, it occurs at a poorly conserved position in the protein, it is predicted to be benign by multiple in silico algorithms, and/or has population frequency not consistent with disease.